The following is an entry in ClinVar:

ClinVar aggregate classification (germline): Uncertain significance (1 of 4 stars; one submission).

Conditions:
Inborn genetic diseases. Identifiers: MedGen C0950123, MeSH D030342.

Allele frequency attached by ClinVar (database versions not stated): ExAC 0.00001.

Submission:

Ambry Genetics
Classification: Uncertain significance for Inborn genetic diseases. Last evaluated: 2023-09-21. Review status: criteria provided, single submitter. Criteria: Ambry Variant Classification Scheme 2023. Collection method: clinical testing. Allele origin: germline.
Comment: The p.N800D variant (also known as c.2398A>G), located in coding exon 19 of the LRRK2 gene, results from an A to G substitution at nucleotide position 2398. The asparagine at codon 800 is replaced by aspartic acid, an amino acid with highly similar properties. This amino acid position is conserved. In addition, this alteration is predicted to be tolerated by in silico analysis. Since supporting evidence is limited at this time, the clinical significance of this alteration remains unclear.

NM_198578.4(LRRK2):c.2398A>G (p.Asn800Asp)

Gene: LRRK2 (leucine rich repeat kinase 2; plus strand). Cytogenetic location: 12q12.
Variant type: single nucleotide variant.
Coding change: c.2398A>G on transcript NM_198578.4 (MANE Select); coding-DNA position 2398, A replaced by G.
Protein change: p.Asn800Asp; replaces asparagine 800 with aspartic acid.
Molecular consequence: missense variant.
Genome position (GRCh38, 1-based): chr12:40,284,031, A>G. VCF-style: chr12-40284031-A-G. GRCh37 (hg19) VCF-style: chr12-40677833-A-G.
Other names: short protein forms N800D.
Identifiers: ClinVar variation 3229555 (VCV003229555.1), dbSNP rs755682370, ClinGen allele CA6513632.
Genomic context (GRCh38, chr12:40,284,031, plus strand): 5'-GGGAAAGGTGACAGCCAGATCATCAGCTTGCTCTTAAGGAGGCTGGCCCTGGATGTGGCC[A>G]ACAATAGCATTTGCCTTGGAGGATTTTGTATAGGAAAAGTTGAACCTTCTTGGCTTGGTC-3'
Protein context (NP_940980.4, residues 790-810): LLRRLALDVA[Asn800Asp]NSICLGGFCI